The following is an entry in ClinVar:

NM_182914.3(SYNE2):c.12307-12T>A

Gene: SYNE2 (spectrin repeat containing nuclear envelope protein 2; plus strand). Cytogenetic location: 14q23.2.
Variant type: single nucleotide variant.
Coding change: c.12307-12T>A on transcript NM_182914.3 (MANE Select); 12 bases into the intron before coding-DNA position 12307, T replaced by A.
Molecular consequence: intron variant.
Genome position (GRCh38, 1-based): chr14:64,098,735, T>A. VCF-style: chr14-64098735-T-A. GRCh37 (hg19) VCF-style: chr14-64565453-T-A.
Other names: c.12307-12T>A (NM_015180.6).
Identifiers: ClinVar variation 3704743 (VCV003704743.2).
Genomic context (GRCh38, chr14:64,098,735, plus strand): 5'-GCAGCTGGACTGGGATCTTGGTGATGTTGACTGGCAAGCAGACTGCAGGTATTCTTGTGC[T>A]GTGCCTTTCAGTTGAACAGAAGAGGCTCCATGTCTTACCTGGCAGCAGTCGAGGAAGAGG-3'

ClinVar aggregate classification (germline): Uncertain significance (1 of 4 stars; one submission).

Conditions:
Emery-Dreifuss muscular dystrophy 5, autosomal dominant (EDMD5). Also called: EMERY-DREIFUSS MUSCULAR DYSTROPHY 5. Identifiers: Orphanet 261, MedGen C2751805, MONDO:0013072, OMIM 612999.

gnomAD v4.1: 11 of 1,613,792 alleles (0.00068%); highest among the groups gnomAD compares: East Asian, 0.02%; no homozygotes.

Submission:

Labcorp Genetics (formerly Invitae), Labcorp
Classification: Uncertain significance for Emery-Dreifuss muscular dystrophy 5, autosomal dominant. Last evaluated: 2024-04-17. Review status: criteria provided, single submitter. Criteria: Invitae Variant Classification Sherloc (09022015). Collection method: clinical testing. Allele origin: germline.
Comment: This sequence change falls in intron 62 of the SYNE2 gene. It does not directly change the encoded amino acid sequence of the SYNE2 protein. This variant is present in population databases (rs373545394, gnomAD 0.02%). This variant has not been reported in the literature in individuals affected with SYNE2-related conditions. Algorithms developed to predict the effect of sequence changes on RNA splicing suggest that this variant may disrupt the consensus splice site. In summary, the available evidence is currently insufficient to determine the role of this variant in disease. Therefore, it has been classified as a Variant of Uncertain Significance.